The following is an entry in ClinVar:

NM_014714.4(IFT140):c.2176C>G (p.Pro726Ala)

Gene: IFT140 (intraflagellar transport 140; minus strand). Cytogenetic location: 16p13.3.
Variant type: single nucleotide variant.
Coding change: c.2176C>G on transcript NM_014714.4 (MANE Select); coding-DNA position 2176, C replaced by G.
Protein change: p.Pro726Ala; replaces proline 726 with alanine.
Molecular consequence: missense variant.
Genome position (GRCh38, 1-based): chr16:1,562,008, G>C on the plus strand (C>G on the coding strand, the complement: IFT140 is on the minus strand). VCF-style: chr16-1562008-G-C. GRCh37 (hg19) VCF-style: chr16-1612009-G-C.
Other names: short protein forms P726A.
Identifiers: ClinVar variation 372905 (VCV000372905.11), dbSNP rs1057518064, ClinGen allele CA16042927.

ClinVar aggregate classification (germline): Conflicting classifications of pathogenicity. Review status: criteria provided, conflicting classifications (1 of 4 stars). 5 submissions from 5 submitters: Likely pathogenic (2); Uncertain significance (2). 1 of the submissions does not count toward it. Last evaluated 2024-10-29.

Conditions:
Saldino-Mainzer syndrome (SRTD9). Also called: CONORENAL SYNDROME; Renal dysplasia, retinal pigmentary dystrophy, cerebellar ataxia and skeletal dysplasia; SHORT-RIB THORACIC DYSPLASIA 9 WITHOUT POLYDACTYLY; short-rib thoracic dysplasia 9 with or without polydactyly. Identifiers: Orphanet 140969, MedGen C1849437, MONDO:0009964, OMIM 266920.
Nephronophthisis. Also called: Juvenile Nephronophthisis. Identifiers: Orphanet 655, MedGen C0687120, MONDO:0019005, HP:0000090.
IFT140-related disorders.

Allele frequency attached by ClinVar (database versions not stated): gnomAD exomes below 0.00001; gnomAD 0.00001; TOPMed 0.00001.

Submissions (5):

Blueprint Genetics
Classification: Likely pathogenic for IFT140-related disorders. Last evaluated: 2024-10-29. Review status: criteria provided, single submitter. Criteria: ACMG Guidelines, 2015. Collection method: clinical testing. Allele origin: germline. Affected: yes. Observed: 5 variant alleles.

Labcorp Genetics (formerly Invitae), Labcorp
Classification: Uncertain significance for Saldino-Mainzer syndrome. Last evaluated: 2023-07-17. Review status: criteria provided, single submitter. Criteria: Invitae Variant Classification Sherloc (09022015). Collection method: clinical testing. Allele origin: germline.
Comment: In summary, the available evidence is currently insufficient to determine the role of this variant in disease. Therefore, it has been classified as a Variant of Uncertain Significance. This variant disrupts the p.Pro726 amino acid residue in IFT140. Other variant(s) that disrupt this residue have been observed in individuals with IFT140-related conditions (PMID: 29688594, 29706353), which suggests that this may be a clinically significant amino acid residue. Studies have shown that this missense change alters IFT140 gene expression (PMID: 29706353). Advanced modeling of protein sequence and biophysical properties (such as structural, functional, and spatial information, amino acid conservation, physicochemical variation, residue mobility, and thermodynamic stability) performed at Invitae indicates that this missense variant is expected to disrupt IFT140 protein function. ClinVar contains an entry for this variant (Variation ID: 372905). This missense change has been observed in individual(s) with Mainzer-Saldino syndrome (PMID: 29706353). In at least one individual the data is consistent with being in trans (on the opposite chromosome) from a pathogenic variant. This variant is present in population databases (no rsID available, gnomAD 0.0009%). This sequence change replaces proline, which is neutral and non-polar, with alanine, which is neutral and non-polar, at codon 726 of the IFT140 protein (p.Pro726Ala).

Women's Health and Genetics/Laboratory Corporation of America, LabCorp
Classification: Uncertain significance. Last evaluated: 2022-09-02. Review status: criteria provided, single submitter. Criteria: LabCorp Variant Classification Summary - May 2015. Collection method: clinical testing. Allele origin: germline.
Comment: Variant summary: IFT140 c.2176C>G (p.Pro726Ala) results in a non-conservative amino acid change in the encoded protein sequence. Five of five in-silico tools predict a damaging effect of the variant on protein function. The variant allele was found at a frequency of 4e-06 in 247152 control chromosomes (gnomAD). The available data on variant occurrences in the general population are insufficient to allow any conclusion about variant significance. c.2176C>G has been reported in the literature as a biallelic genotype in at least one individual affected with Nephronophthisis (Mallett_2017). These data do not allow any conclusion about variant significance. Follow up experiments using kidney organoids from iPSCs derived from the same patient reported by Mallett_2017 showed that the variant may have loss of function: the variant in trans impacted splicing and only the variant of interest was expressed in patient cells. These cells showed abnormal cilia morphology which was rescued when the splice variant was corrected, suggesting that the variant of interest is loss of function for this autosomal recessive disease (Forbes_2018). Three ClinVar submitters have assessed the variant since 2014: two classified the variant as uncertain significance and one as likely pathogenic. Based on the evidence outlined above, the variant was classified as uncertain significance.

GeneDx
Classification: Likely pathogenic. Last evaluated: 2016-02-27. Review status: criteria provided, single submitter. Criteria: GeneDx Variant Classification (06012015). Collection method: clinical testing. Allele origin: germline. Affected: yes.
Comment: The P726A variant in the IFT140 gene has not been reported previously as a pathogenic variant, nor as a benign variant, to our knowledge. The P726A variant was not observed in approximately 6500 individuals of European and African American ancestry in the NHLBI Exome Sequencing Project, indicating it is not a common benign variant in these populations. The P726A variant is a semi-conservative amino acid substitution, which may impact secondary protein structure as these residues differ in some properties. This substitution occurs at a position that is conserved across species. In silico analysis predicts this variant is probably damaging to the protein structure/function. The P726A variant is a strong candidate for a pathogenic variant, however the possibility it may be a rare benign variant cannot be excluded.

Sydney Genome Diagnostics, Children's Hospital Westmead
Classification: Uncertain significance for Nephronophthisis. Last evaluated: 2018-10-25. Review status: no assertion criteria provided. Collection method: clinical testing. Allele origin: unknown. Affected: yes. Observed: 1 variant allele, 1 compound heterozygote. Not counted in ClinVar's aggregate classification.
Comment: To our knowledge, this variant has not been previously reported in the literature. p.Pro726 is a highly conserved amino acid (up to 13 species). In silico analysis (Alamut Visual v2.4) using PolyPhen2, SIFT and MutationTaster all predict this variant to be pathogenic.

Literature cited by the submitters: PubMed 29688594 (cited by Labcorp Genetics (formerly Invitae), Labcorp); PubMed 29706353 (cited by Labcorp Genetics (formerly Invitae), Labcorp and Women's Health and Genetics/Laboratory Corporation of America, LabCorp); PubMed 28844315 (cited by Women's Health and Genetics/Laboratory Corporation of America, LabCorp).